The following is an entry in ClinVar:

NM_007294.4(BRCA1):c.2049G>A (p.Lys683=)

Gene: BRCA1 (BRCA1 DNA repair associated; minus strand). Cytogenetic location: 17q21.31.
Variant type: single nucleotide variant.
Coding change: c.2049G>A on transcript NM_007294.4 (MANE Select); coding-DNA position 2049, G replaced by A.
Protein change: p.Lys683=; no amino-acid change (lysine 683 retained).
Molecular consequence: synonymous variant. On other transcripts: intron variant (137).
Genome position (GRCh38, 1-based): chr17:43,093,482, C>T on the plus strand (G>A on the coding strand, the complement: BRCA1 is on the minus strand). VCF-style: chr17-43093482-C-T. GRCh37 (hg19) VCF-style: chr17-41245499-C-T.
Other names: c.1836G>A, p.Lys612= (NM_001407571.1, NM_001407853.1, NM_001407894.1 and 9 more transcripts); c.2049G>A, p.Lys683= (NM_001407581.1, NM_001407582.1, NM_001407583.1 and 30 more transcripts); c.2046G>A, p.Lys682= (NM_001407587.1, NM_001407590.1, NM_001407591.1 and 22 more transcripts); c.2040G>A, p.Lys680= (NM_001407646.1, NM_001407647.1); c.1926G>A, p.Lys642= (NM_001407648.1, NM_001407664.1, NM_001407665.1 and 19 more transcripts); c.1923G>A, p.Lys641= (NM_001407649.1, NM_001407670.1, NM_001407671.1 and 11 more transcripts); c.1971G>A, p.Lys657= (NM_001407653.1, NM_001407654.1, NM_001407655.1 and 4 more transcripts); c.1968G>A, p.Lys656= (NM_001407659.1, NM_001407660.1, NM_001407661.1 and 1 more transcripts); and 40 more.
Identifiers: ClinVar variation 427345 (VCV000427345.11), dbSNP rs778215185, ClinGen allele CA057722.
Genomic context (GRCh38, chr17:43,093,482, plus strand): 5'-TGTTAACTTCAGCTCTGGGAAAGTATCGCTGTCATGTCTTTTACTTGTCTGTTCATTTGG[C>T]TTGTTACTCTTCTTGGCTCCAGTTGCAGGTTCTTTACCTTCCATGAGTTGTAGGTTTCTG-3'
Protein context (NP_009225.1, residues 673-693): EPATGAKKSN[Lys683=]PNEQTSKRHD

ClinVar aggregate classification (germline): Likely benign. Review status: reviewed by expert panel (3 of 4 stars). 3 submissions from 3 submitters: Likely benign (1). 2 of the submissions do not count toward it. Last evaluated 2017-06-29.

Conditions:
Hereditary breast ovarian cancer syndrome. Also called: Hereditary breast and ovarian cancer syndrome (HBOC); BRCA1- and BRCA2-Associated Hereditary Breast and Ovarian Cancer; Hereditary breast and/or ovarian cancer syndrome; Hereditary breast and ovarian cancer syndrome; Hereditary breast and ovarian cancer; Breast and ovarian cancer. Identifiers: Orphanet 145, MedGen C0677776, MeSH D061325, MONDO:0003582. Disease mechanism: loss of function.
Hereditary cancer-predisposing syndrome. Also called: Neoplastic Syndromes, Hereditary; Hereditary neoplastic syndrome; Tumor predisposition; Hereditary Cancer Syndrome. Identifiers: Orphanet 140162, MedGen C0027672, MeSH D009386, MONDO:0015356.
Breast-ovarian cancer, familial, susceptibility to, 1 (BROVCA1). Also called: BRCA1 Hereditary Breast and Ovarian Cancer; OVARIAN CANCER, SUSCEPTIBILITY TO. Identifiers: Orphanet 145, MedGen C2676676, MONDO:0011450, OMIM 604370. Disease mechanism: loss of function.

Allele frequency attached by ClinVar (database versions not stated): gnomAD below 0.00001 and 0.00001; ExAC 0.00001; gnomAD exomes 0.00001.
gnomAD v4.1: 4 of 1,613,992 alleles (0.00025%); highest among the groups gnomAD compares: South Asian, 0.0044%; no homozygotes.

Submissions (3):

Evidence-based Network for the Interpretation of Germline Mutant Alleles (ENIGMA)
Classification: Likely benign for Breast-ovarian cancer, familial, susceptibility to, 1. Last evaluated: 2017-06-29. Review status: reviewed by expert panel. Criteria: ENIGMA BRCA1/2 Classification Criteria (2017-06-29). Collection method: curation. Allele origin: germline.
Comment: Synonymous substitution variant, with low bioinformatic likelihood to result in a splicing aberration (Splicing prior probability 0.02).

Labcorp Genetics (formerly Invitae), Labcorp
Classification: Likely benign for Hereditary breast ovarian cancer syndrome. Last evaluated: 2023-12-22. Review status: criteria provided, single submitter. Criteria: Invitae Variant Classification Sherloc (09022015). Collection method: clinical testing. Allele origin: germline. Not counted in ClinVar's aggregate classification.

Ambry Genetics
Classification: Likely benign for Hereditary cancer-predisposing syndrome. Last evaluated: 2019-06-16. Review status: criteria provided, single submitter. Criteria: Ambry Variant Classification Scheme 2023. Collection method: clinical testing. Allele origin: germline. Not counted in ClinVar's aggregate classification.